The following is an entry in ClinVar:

ClinVar aggregate classification (germline): Uncertain significance (1 of 4 stars; one submission).

Conditions:
Breast-ovarian cancer, familial, susceptibility to, 4. Identifiers: Orphanet 145, MedGen C3280345, MONDO:0013669, OMIM 614291.

Submission:

Labcorp Genetics (formerly Invitae), Labcorp
Classification: Uncertain significance for Breast-ovarian cancer, familial, susceptibility to, 4. Last evaluated: 2023-11-25. Review status: criteria provided, single submitter. Criteria: Invitae Variant Classification Sherloc (09022015). Collection method: clinical testing. Allele origin: germline.
Comment: This sequence change falls in intron 2 of the RAD51D gene. It does not directly change the encoded amino acid sequence of the RAD51D protein. This variant is not present in population databases (gnomAD no frequency). This variant has not been reported in the literature in individuals affected with RAD51D-related conditions. Algorithms developed to predict the effect of sequence changes on RNA splicing suggest that this variant may disrupt the consensus splice site. In summary, the available evidence is currently insufficient to determine the role of this variant in disease. Therefore, it has been classified as a Variant of Uncertain Significance.

NM_002878.4(RAD51D):c.145-14G>A

Genes: RAD51D (RAD51 paralog D; minus strand), RAD51L3-RFFL (RAD51L3-RFFL readthrough; minus strand). Cytogenetic location: 17q12.
Variant type: single nucleotide variant.
Coding change: c.145-14G>A on transcript NM_002878.4 (MANE Select); 14 bases into the intron before coding-DNA position 145, G replaced by A.
Molecular consequence: intron variant.
Genome position (GRCh38, 1-based): chr17:35,118,633, C>T on the plus strand (G>A on the coding strand, the complement: RAD51D is on the minus strand). VCF-style: chr17-35118633-C-T. GRCh37 (hg19) VCF-style: chr17-33445652-C-T.
Other names: c.144+478G>A (NM_133629.3, NM_001142571.2).
Identifiers: ClinVar variation 2780964 (VCV002780964.3), dbSNP rs200470533, ClinGen allele CA2739267496.